The following is an entry in ClinVar:

NM_207034.3(EDN3):c.*143C>A

Gene: EDN3 (endothelin 3; plus strand). Cytogenetic location: 20q13.32.
Variant type: single nucleotide variant.
Coding change: c.*143C>A on transcript NM_207034.3 (MANE Select); 143 bases downstream of the stop codon, C replaced by A.
Molecular consequence: 3 prime UTR variant.
Genome position (GRCh38, 1-based): chr20:59,324,602, C>A. VCF-style: chr20-59324602-C-A. GRCh37 (hg19) VCF-style: chr20-57899657-C-A.
Other names: c.*267C>A (NM_001302455.2); c.*235C>A (NM_001302456.2, NM_207032.3); c.*143C>A (NM_207033.3).
Identifiers: ClinVar variation 339134 (VCV000339134.5), dbSNP rs71321536, ClinGen allele CA10652728.

ClinVar aggregate classification (germline): Likely benign (1 of 4 stars; one submission).

Conditions:
Hirschsprung disease, susceptibility to, 4. Identifiers: Orphanet 388, MedGen C3150975, MONDO:0013384, OMIM 613712.

Allele frequency attached by ClinVar (database versions not stated): 1000 Genomes Project 0.00060; 1000 Genomes Project 30x 0.00062; TOPMed 0.00067.
gnomAD v4.1: 923 of 1,107,210 alleles (0.083%); highest among the groups gnomAD compares: South Asian, 0.15%; 4 homozygotes.

Submission:

Illumina Laboratory Services, Illumina
Classification: Likely benign for Hirschsprung disease, susceptibility to, 4. Last evaluated: 2018-01-12. Review status: criteria provided, single submitter. Criteria: ICSL Variant Classification Criteria 13 December 2019. Collection method: clinical testing. Allele origin: germline.
Comment: This variant was observed in the ICSL laboratory as part of a predisposition screen in an ostensibly healthy population. It had not been previously curated by ICSL or reported in the Human Gene Mutation Database (HGMD: prior to June 1st, 2018), and was therefore a candidate for classification through an automated scoring system. Utilizing variant allele frequency, disease prevalence and penetrance estimates, and inheritance mode, an automated score was calculated to assess if this variant is too frequent to cause the disease. Based on the score and internal cut-off values, a variant classified as likely benign is not then subjected to further curation. The score for this variant resulted in a classification of likely benign for this disease.